The following is an entry in ClinVar:

ClinVar aggregate classification (germline): Likely pathogenic (1 of 4 stars; one submission).

Conditions:
Dilated cardiomyopathy 1G (CMD1G). Identifiers: Orphanet 154, MedGen C1858763, MONDO:0011400, OMIM 604145.
Autosomal recessive limb-girdle muscular dystrophy type 2J (LGMDR10). Also called: Limb-girdle muscular dystrophy, type 2J; MUSCULAR DYSTROPHY, LIMB-GIRDLE, AUTOSOMAL RECESSIVE 10. Identifiers: Orphanet 140922, MedGen C1837342, MONDO:0012127, OMIM 608807.

Submission:

Labcorp Genetics (formerly Invitae), Labcorp
Classification: Likely pathogenic for Dilated cardiomyopathy 1G; Autosomal recessive limb-girdle muscular dystrophy type 2J. Last evaluated: 2024-10-18. Review status: criteria provided, single submitter. Criteria: Invitae Variant Classification Sherloc (09022015). Collection method: clinical testing. Allele origin: germline.
Comment: This sequence change creates a premature translational stop signal (p.Tyr2336Ilefs*13) in the TTN gene. While this is not anticipated to result in nonsense mediated decay, it is expected to create a truncated TTN protein. This variant is not present in population databases (gnomAD no frequency). This variant has not been reported in the literature in individuals affected with TTN-related conditions. Experimental studies and prediction algorithms are not available or were not evaluated, and the functional significance of this variant is currently unknown. This variant is located in the I band of TTN (PMID: 25589632). Truncating variants in this region have been reported in individuals affected with autosomal recessive centronuclear myopathy (PMID: 23975875, internal data). Truncating variants in this region have also been identified in individuals affected with autosomal dominant dilated cardiomyopathy and/or cardio-related conditions (PMID: 27869827, 32964742, internal data). In summary, the currently available evidence indicates that the variant is pathogenic, but additional data are needed to prove that conclusively. Therefore, this variant has been classified as Likely Pathogenic.

Literature cited by the submitters: PubMed 25589632; PubMed 23975875; PubMed 27869827; PubMed 32964742.

NM_001267550.2(TTN):c.7005dup (p.Tyr2336fs)

Genes: TTN (titin; minus strand), LOC126806433 (BRD4-independent group 4 enhancer GRCh37_chr2:179638309-179639508; plus strand). Cytogenetic location: 2q31.2.
Variant type: Duplication.
Coding change: c.7005dup on transcript NM_001267550.2 (MANE Select); coding-DNA position 7005, one base duplicated (A; older notation c.7005dupA).
Protein change: p.Tyr2336fs; shifts the reading frame from tyrosine 2336.
Molecular consequence: frameshift variant.
Genome position (GRCh38, 1-based): chr2:178,774,259, T duplicated on the plus strand (A on the coding strand, the reverse complement: TTN is on the minus strand); the first of 2 consecutive T bases (chr2:178,774,259-178,774,260); duplicating either gives the same sequence. VCF-style (leftmost placement, unchanged base first): chr2-178774258-A-AT. GRCh37 (hg19) VCF-style: chr2-179638985-A-AT.
Other names: c.7005dup, p.Tyr2336fs (NM_001256850.1, NM_133378.4, NM_133379.5); c.6867dup, p.Tyr2290fs (NM_003319.4, NM_133432.3, NM_133437.4); short protein forms Y2290fs, Y2336fs.
Identifiers: ClinVar variation 2949981 (VCV002949981.3), dbSNP rs2532723106, ClinGen allele CA2740095941.
Genomic context (GRCh38, chr2:178,774,258, plus strand): 5'-AGGACTTACGTTTCATCTTTAATTTACAGGTTGTCTTTTTCCCGTCGATGACAAAGCTGT[A>AT]TTCTCCCTGGTCCTCCTTGGTTACATCCTTGACCGTGAGGTTCTGACGTCCACGACGAGA-3'